The following is an entry in ClinVar:

NM_022114.4(PRDM16):c.410T>C (p.Val137Ala)

Gene: PRDM16 (PR/SET domain 16; plus strand). Cytogenetic location: 1p36.32.
Variant type: single nucleotide variant.
Coding change: c.410T>C on transcript NM_022114.4 (MANE Select); coding-DNA position 410, T replaced by C.
Protein change: p.Val137Ala; replaces valine 137 with alanine.
Molecular consequence: missense variant.
Genome position (GRCh38, 1-based): chr1:3,244,109, T>C. VCF-style: chr1-3244109-T-C. GRCh37 (hg19) VCF-style: chr1-3160673-T-C.
Other names: c.410T>C, p.Val137Ala (NM_199454.3); short protein forms V137A.
Identifiers: ClinVar variation 652341 (VCV000652341.9), dbSNP rs1161500379, ClinGen allele CA338216064.

ClinVar aggregate classification (germline): Uncertain significance. Review status: criteria provided, multiple submitters, no conflicts (2 of 4 stars). 2 submissions from 2 submitters: Uncertain significance (2). Last evaluated 2025-02-22.

Conditions:
Left ventricular noncompaction 8 (LVNC8). Identifiers: Orphanet 154, Orphanet 54260, MedGen C3809288, MONDO:0014152, OMIM 615373.

Allele frequency attached by ClinVar (database versions not stated): gnomAD exomes below 0.00001 and 0.00001; gnomAD 0.00001.
gnomAD v4.1: 21 of 1,613,862 alleles (0.0013%); highest among the groups gnomAD compares: Non-Finnish European, 0.0016%; no homozygotes.

Submissions (2):

Labcorp Genetics (formerly Invitae), Labcorp
Classification: Uncertain significance for Left ventricular noncompaction 8. Last evaluated: 2025-02-22. Review status: criteria provided, single submitter. Criteria: Invitae Variant Classification Sherloc (09022015). Collection method: clinical testing. Allele origin: germline.
Comment: This sequence change replaces valine, which is neutral and non-polar, with alanine, which is neutral and non-polar, at codon 137 of the PRDM16 protein (p.Val137Ala). This variant is present in population databases (no rsID available, gnomAD 0.0009%). This variant has not been reported in the literature in individuals affected with PRDM16-related conditions. ClinVar contains an entry for this variant (Variation ID: 652341). An algorithm developed to predict the effect of missense changes on protein structure and function outputs the following: PolyPhen-2: "Benign". The alanine amino acid residue is found in multiple mammalian species, which suggests that this missense change does not adversely affect protein function. In summary, the available evidence is currently insufficient to determine the role of this variant in disease. Therefore, it has been classified as a Variant of Uncertain Significance.

GeneDx
Classification: Uncertain significance. Last evaluated: 2023-12-12. Review status: criteria provided, single submitter. Criteria: GeneDx Variant Classification Process June 2021. Collection method: clinical testing. Allele origin: germline. Affected: yes.
Comment: Not observed at significant frequency in large population cohorts (gnomAD); In silico analysis supports that this missense variant does not alter protein structure/function; Has not been previously published as pathogenic or benign to our knowledge